The following is an entry in ClinVar:

NM_014989.7(RIMS1):c.4746G>A (p.Leu1582=)

Gene: RIMS1 (regulating synaptic membrane exocytosis 1; plus strand). Cytogenetic location: 6q13.
Variant type: single nucleotide variant.
Coding change: c.4746G>A on transcript NM_014989.7 (MANE Select); coding-DNA position 4746, G replaced by A.
Protein change: p.Leu1582=; no amino-acid change (leucine 1582 retained).
Molecular consequence: synonymous variant.
Genome position (GRCh38, 1-based): chr6:72,398,980, G>A. VCF-style: chr6-72398980-G-A. GRCh37 (hg19) VCF-style: chr6-73108682-G-A.
Other names: c.2706G>A, p.Leu902= (NM_001168407.2); c.2121G>A, p.Leu707= (NM_001168408.2, NM_001350430.2); c.1950G>A, p.Leu650= (NM_001168409.2); c.2148G>A, p.Leu716= (NM_001168410.2); c.327G>A, p.Leu109= (NM_001168411.2); c.2667G>A, p.Leu889= (NM_001350414.2); c.2763G>A, p.Leu921= (NM_001350415.2); c.2712G>A, p.Leu904= (NM_001350416.2); and 54 more.
Identifiers: ClinVar variation 850285 (VCV000850285.9), dbSNP rs557685336, ClinGen allele CA141426833.

ClinVar aggregate classification (germline): Uncertain significance (1 of 4 stars; one submission).

Allele frequency attached by ClinVar (database versions not stated): gnomAD 0.00001.
gnomAD v4.1: 2 of 1,602,658 alleles (0.00012%); highest among the groups gnomAD compares: East Asian, 0.0045%; no homozygotes.

Submission:

Labcorp Genetics (formerly Invitae), Labcorp
Classification: Uncertain significance. Last evaluated: 2019-11-20. Review status: criteria provided, single submitter. Criteria: Invitae Variant Classification Sherloc (09022015). Collection method: clinical testing. Allele origin: germline.
Comment: This variant is not present in population databases (ExAC no frequency). This sequence change affects codon 1582 of the RIMS1 mRNA. It is a 'silent' change, meaning that it does not change the encoded amino acid sequence of the RIMS1 protein. In summary, the available evidence is currently insufficient to determine the role of this variant in disease. Therefore, it has been classified as a Variant of Uncertain Significance. Algorithms developed to predict the effect of sequence changes on RNA splicing suggest that this variant may create or strengthen a splice site, but this prediction has not been confirmed by published transcriptional studies. This variant has not been reported in the literature in individuals with RIMS1-related conditions.